The following is an entry in ClinVar:

NM_000059.4(BRCA2):c.7578_7579del (p.Val2527fs)

Gene: BRCA2 (BRCA2 DNA repair associated; plus strand). Cytogenetic location: 13q13.1.
Variant type: Deletion.
Coding change: c.7578_7579del on transcript NM_000059.4 (MANE Select); coding-DNA positions 7578 to 7579, 2 bases deleted (AG; older notation c.7578_7579delAG).
Protein change: p.Val2527fs; shifts the reading frame from valine 2527.
Molecular consequence: frameshift variant.
Genome position (GRCh38, 1-based): chr13:32,356,570-32,356,571, AG deleted. VCF-style (leftmost placement, unchanged base first): chr13-32356569-CAG-C. GRCh37 (hg19) VCF-style: chr13-32930706-CAG-C.
Other names: c.7578_7579delAG (NM_000059.3); short protein forms V2527fs.
Identifiers: ClinVar variation 950421 (VCV000950421.10), dbSNP rs2072698959, ClinGen allele CA1139663193.
Genomic context (GRCh38, chr13:32,356,569, plus strand): 5'-AGCCAGGCAGTCTGTATCTTGCAAAAACATCCACTCTGCCTCGAATCTCTCTGAAAGCAG[CAG>C]TAGGAGGCCAAGTTCCCTCTGCGTGTTCTCATAAACAGGTATGTGTTTGTCTACAATACT-3'

ClinVar aggregate classification (germline): Pathogenic/Likely pathogenic. Review status: criteria provided, multiple submitters, no conflicts (2 of 4 stars). 3 submissions from 3 submitters: Pathogenic (2); Likely pathogenic (1). Last evaluated 2025-09-13.

Conditions:
Hereditary cancer-predisposing syndrome. Also called: Tumor predisposition; Hereditary neoplastic syndrome; Neoplastic Syndromes, Hereditary; Hereditary Cancer Syndrome. Identifiers: Orphanet 140162, MedGen C0027672, MeSH D009386, MONDO:0015356.
Hereditary breast ovarian cancer syndrome. Also called: Hereditary breast and ovarian cancer; Hereditary breast and/or ovarian cancer syndrome; Hereditary breast and ovarian cancer syndrome; Hereditary breast and ovarian cancer syndrome (HBOC); BRCA1- and BRCA2-Associated Hereditary Breast and Ovarian Cancer; Breast and ovarian cancer. Identifiers: Orphanet 145, MedGen C0677776, MeSH D061325, MONDO:0003582. Disease mechanism: loss of function.
Familial cancer of breast. Also called: BREAST CANCER, FAMILIAL; Hereditary breast cancer; hereditary breast carcinoma. Identifiers: Orphanet 227535, MedGen C0346153, MONDO:0016419, OMIM 114480. Disease mechanism: loss of function.

Submissions (3):

Labcorp Genetics (formerly Invitae), Labcorp
Classification: Pathogenic for Hereditary breast ovarian cancer syndrome. Last evaluated: 2025-09-13. Review status: criteria provided, single submitter. Criteria: Invitae Variant Classification Sherloc (09022015). Collection method: clinical testing. Allele origin: germline.
Comment: This sequence change creates a premature translational stop signal (p.Val2527Argfs*11) in the BRCA2 gene. It is expected to result in an absent or disrupted protein product. Loss-of-function variants in BRCA2 are known to be pathogenic (PMID: 20104584). This variant is not present in population databases (gnomAD no frequency). This variant has not been reported in the literature in individuals affected with BRCA2-related conditions. ClinVar contains an entry for this variant (Variation ID: 950421). For these reasons, this variant has been classified as Pathogenic.

Ambry Genetics
Classification: Pathogenic for Hereditary cancer-predisposing syndrome. Last evaluated: 2025-05-26. Review status: criteria provided, single submitter. Criteria: Ambry Variant Classification Scheme 2023. Collection method: clinical testing. Allele origin: germline.
Comment: The c.7578_7579delAG pathogenic mutation, located in coding exon 14 of the BRCA2 gene, results from a deletion of two nucleotides at nucleotide positions 7578 to 7579, causing a translational frameshift with a predicted alternate stop codon (p.V2527Rfs*11). This variant is considered to be rare based on population cohorts in the Genome Aggregation Database (gnomAD). This alteration is expected to result in loss of function by premature protein truncation or nonsense-mediated mRNA decay. As such, this alteration is interpreted as a disease-causing mutation.

Baylor Genetics
Classification: Likely pathogenic for Familial cancer of breast. Last evaluated: 2024-02-11. Review status: criteria provided, single submitter. Criteria: ACMG Guidelines, 2015. Collection method: clinical testing. Allele origin: unknown.

Literature cited by the submitters: PubMed 20104584 (cited by Labcorp Genetics (formerly Invitae), Labcorp).